The following is an entry in ClinVar:

NM_206933.4(USH2A):c.7765C>G (p.His2589Asp)

Gene: USH2A (usherin; minus strand). Cytogenetic location: 1q41.
Variant type: single nucleotide variant.
Coding change: c.7765C>G on transcript NM_206933.4 (MANE Select); coding-DNA position 7765, C replaced by G.
Protein change: p.His2589Asp; replaces histidine 2589 with aspartic acid.
Molecular consequence: missense variant.
Genome position (GRCh38, 1-based): chr1:215,888,884, G>C on the plus strand (C>G on the coding strand, the complement: USH2A is on the minus strand). VCF-style: chr1-215888884-G-C. GRCh37 (hg19) VCF-style: chr1-216062226-G-C.
Other names: short protein forms H2589D.
Identifiers: ClinVar variation 551583 (VCV000551583.6), dbSNP rs747492773, ClinGen allele CA1394748.

ClinVar aggregate classification (germline): Uncertain significance. Review status: criteria provided, multiple submitters, no conflicts (2 of 4 stars). 6 submissions from 5 submitters: Uncertain significance (5). 1 of the submissions does not count toward it. Last evaluated 2025-08-29.

Conditions:
Usher syndrome type 2A. Also called: RETINAL DISEASE IN USHER SYNDROME TYPE IIA, MODIFIER OF; USHER SYNDROME, TYPE IIA. Identifiers: Orphanet 231178, Orphanet 886, MedGen C1848634, MONDO:0010169, OMIM 276901.
Retinitis pigmentosa 39 (RP39). Identifiers: Orphanet 791, MedGen C3151138, MONDO:0013436, OMIM 613809.

Allele frequency attached by ClinVar (database versions not stated): ExAC 0.00001; TOPMed 0.00002.

Submissions (6):

Labcorp Genetics (formerly Invitae), Labcorp
Classification: Uncertain significance. Last evaluated: 2025-08-29. Review status: criteria provided, single submitter. Criteria: Invitae Variant Classification Sherloc (09022015). Collection method: clinical testing. Allele origin: germline.
Comment: This sequence change replaces histidine, which is basic and polar, with aspartic acid, which is acidic and polar, at codon 2589 of the USH2A protein (p.His2589Asp). This variant is not present in population databases (gnomAD no frequency). This missense change has been observed in individual(s) with retinitis pigmentosa (PMID: 24938718). ClinVar contains an entry for this variant (Variation ID: 551583). Invitae Evidence Modeling of protein sequence and biophysical properties (such as structural, functional, and spatial information, amino acid conservation, physicochemical variation, residue mobility, and thermodynamic stability) indicates that this missense variant is not expected to disrupt USH2A protein function with a negative predictive value of 95%. In summary, the available evidence is currently insufficient to determine the role of this variant in disease. Therefore, it has been classified as a Variant of Uncertain Significance.

Genome-Nilou Lab
Classification: Uncertain significance for Retinitis pigmentosa 39. Last evaluated: 2023-11-04. Review status: criteria provided, single submitter. Criteria: ACMG Guidelines, 2015. Collection method: clinical testing. Allele origin: germline. Affected: no.

Genome-Nilou Lab
Classification: Uncertain significance for Usher syndrome type 2A. Last evaluated: 2023-11-04. Review status: criteria provided, single submitter. Criteria: ACMG Guidelines, 2015. Collection method: clinical testing. Allele origin: germline. Affected: no.

Blueprint Genetics
Classification: Uncertain significance. Last evaluated: 2022-10-20. Review status: criteria provided, single submitter. Criteria: ACMG Guidelines, 2015. Collection method: clinical testing. Allele origin: germline.

Fulgent Genetics
Classification: Uncertain significance for Usher syndrome type 2A; Retinitis pigmentosa 39. Last evaluated: 2022-05-24. Review status: criteria provided, single submitter. Criteria: ACMG Guidelines, 2015. Collection method: clinical testing. Allele origin: unknown.

Counsyl
Classification: Uncertain significance for Usher syndrome type 2A; Retinitis pigmentosa 39. Last evaluated: 2017-04-26. Review status: no assertion criteria provided. Collection method: clinical testing. Allele origin: unknown. Not counted in ClinVar's aggregate classification.

Literature cited by the submitters: PubMed 24938718 (cited by Labcorp Genetics (formerly Invitae), Labcorp and Counsyl).